The following is an entry in ClinVar:

NM_017654.4(SAMD9):c.581T>A (p.Ile194Lys)

Gene: SAMD9 (sterile alpha motif domain containing 9; minus strand). Cytogenetic location: 7q21.2.
Variant type: single nucleotide variant.
Coding change: c.581T>A on transcript NM_017654.4 (MANE Select); coding-DNA position 581, T replaced by A.
Protein change: p.Ile194Lys; replaces isoleucine 194 with lysine.
Molecular consequence: missense variant.
Genome position (GRCh38, 1-based): chr7:93,105,517, A>T on the plus strand (T>A on the coding strand, the complement: SAMD9 is on the minus strand). VCF-style: chr7-93105517-A-T. GRCh37 (hg19) VCF-style: chr7-92734830-A-T.
Other names: c.581T>A, p.Ile194Lys (NM_001193307.2); short protein forms I194K.
Identifiers: ClinVar variation 3369173 (VCV003369173.2).

ClinVar aggregate classification (germline): Uncertain significance. Review status: criteria provided, multiple submitters, no conflicts (2 of 4 stars). 2 submissions from 2 submitters: Uncertain significance (2). Last evaluated 2026-06-24.

Conditions:
Inborn genetic diseases. Identifiers: MedGen C0950123, MeSH D030342.

Submissions (2):

Ambry Genetics
Classification: Uncertain significance for Inborn genetic diseases. Last evaluated: 2026-06-24. Review status: criteria provided, single submitter. Criteria: Ambry Variant Classification Scheme 2023. Collection method: clinical testing. Allele origin: germline.
Comment: The p.I194K variant (also known as c.581T>A), located in coding exon 1 of the SAMD9 gene, results from a T to A substitution at nucleotide position 581. The isoleucine at codon 194 is replaced by lysine, an amino acid with dissimilar properties. This amino acid position is conserved. In addition, this alteration is predicted to be tolerated by in silico analysis. Based on the available evidence, the clinical significance of this variant remains unclear.

GeneDx
Classification: Uncertain significance. Last evaluated: 2024-02-15. Review status: criteria provided, single submitter. Criteria: GeneDx Variant Classification Process June 2021. Collection method: clinical testing. Allele origin: germline. Affected: yes.
Comment: Not observed at significant frequency in large population cohorts (gnomAD); In silico analysis supports that this missense variant has a deleterious effect on protein structure/function; Has not been previously published as pathogenic or benign to our knowledge